The following is an entry in ClinVar:

NM_006978.3(RNF113A):c.749A>G (p.Glu250Gly)

Gene: RNF113A (ring finger protein 113A; minus strand). Cytogenetic location: Xq24.
Variant type: single nucleotide variant.
Coding change: c.749A>G on transcript NM_006978.3 (MANE Select); coding-DNA position 749, A replaced by G.
Protein change: p.Glu250Gly; replaces glutamic acid 250 with glycine.
Molecular consequence: missense variant.
Genome position (GRCh38, 1-based): chrX:119,870,865, T>C on the plus strand (A>G on the coding strand, the complement: RNF113A is on the minus strand). VCF-style: chrX-119870865-T-C. GRCh37 (hg19) VCF-style: chrX-119004828-T-C.
Other names: short protein forms E250G.
Identifiers: ClinVar variation 2100154 (VCV002100154.4), dbSNP rs1384463992, ClinGen allele CA414187142.

ClinVar aggregate classification (germline): Uncertain significance (1 of 4 stars; one submission).

Allele frequency attached by ClinVar (database versions not stated): gnomAD 0.00001; TOPMed 0.00002.

Submission:

Labcorp Genetics (formerly Invitae), Labcorp
Classification: Uncertain significance. Last evaluated: 2025-11-01. Review status: criteria provided, single submitter. Criteria: Invitae Variant Classification Sherloc (09022015). Collection method: clinical testing. Allele origin: germline.
Comment: This sequence change replaces glutamic acid, which is acidic and polar, with glycine, which is neutral and non-polar, at codon 250 of the RNF113A protein (p.Glu250Gly). This variant is not present in population databases (gnomAD no frequency). This variant has not been reported in the literature in individuals affected with RNF113A-related conditions. ClinVar contains an entry for this variant (Variation ID: 2100154). Invitae Evidence Modeling of protein sequence and biophysical properties (such as structural, functional, and spatial information, amino acid conservation, physicochemical variation, residue mobility, and thermodynamic stability) indicates that this missense variant is expected to disrupt RNF113A protein function with a positive predictive value of 80%. In summary, the available evidence is currently insufficient to determine the role of this variant in disease. Therefore, it has been classified as a Variant of Uncertain Significance.